The following is an entry in ClinVar:

NM_000868.4(HTR2C):c.491G>A (p.Arg164His)

Gene: HTR2C (5-hydroxytryptamine receptor 2C; plus strand). Cytogenetic location: Xq23.
Variant type: single nucleotide variant.
Coding change: c.491G>A on transcript NM_000868.4 (MANE Select); coding-DNA position 491, G replaced by A.
Protein change: p.Arg164His; replaces arginine 164 with histidine.
Molecular consequence: missense variant. On other transcripts: intron variant (1).
Genome position (GRCh38, 1-based): chrX:114,848,144, G>A. VCF-style: chrX-114848144-G-A. GRCh37 (hg19) VCF-style: chrX-114082707-G-A.
Other names: c.491G>A, p.Arg164His (NM_001256760.3); c.455+36G>A (NM_001256761.3); short protein forms R164H.
Identifiers: ClinVar variation 4984148 (VCV004984148.1).
Genomic context (GRCh38, chrX:114,848,144, plus strand): 5'-ACCTCTGCGCTATATCGCTGGATCGGTATGTAGCAATACGTAATCCTATTGAGCATAGCC[G>A]TTTCAATTCGCGGACTAAGGCCATCATGAAGATTGCTATTGTTTGGGCAATTTCTATAGG-3'
Protein context (NP_000859.2, residues 154-174): VAIRNPIEHS[Arg164His]FNSRTKAIMK

ClinVar aggregate classification (germline): Uncertain significance (1 of 4 stars; one submission).

Conditions:
HTR2C-related disorder. Also called: HTR2C-related condition.

gnomAD v4.1: 3 of 1,209,451 alleles (0.00025%); highest among the groups gnomAD compares: East Asian, 0.003%; no homozygotes.

Submission:

PreventionGenetics, part of Exact Sciences
Classification: Uncertain significance for HTR2C-related condition. Last evaluated: 2025-10-13. Review status: criteria provided, single submitter. Criteria: ACMG Guidelines, 2015. Collection method: clinical testing. Allele origin: germline.
Comment: The HTR2C c.491G>A variant is predicted to result in the amino acid substitution p.Arg164His. To our knowledge, this variant has not been reported in the literature. This variant is reported in 0.0072% of alleles, including 1 hemizygote, in individuals of East Asian descent in gnomAD. At this time, the clinical significance of this variant is uncertain due to the absence of conclusive functional and genetic evidence.